The following is an entry in ClinVar:

NM_015559.3(SETBP1):c.2700C>A (p.Asp900Glu)

Gene: SETBP1 (SET binding protein 1; plus strand). Cytogenetic location: 18q12.3.
Variant type: single nucleotide variant.
Coding change: c.2700C>A on transcript NM_015559.3 (MANE Select); coding-DNA position 2700, C replaced by A.
Protein change: p.Asp900Glu; replaces aspartic acid 900 with glutamic acid.
Molecular consequence: missense variant.
Genome position (GRCh38, 1-based): chr18:44,952,040, C>A. VCF-style: chr18-44952040-C-A. GRCh37 (hg19) VCF-style: chr18-42532005-C-A.
Other names: c.2700C>A, p.Asp900Glu (NM_001379141.1, NM_001379142.1, NM_001410862.1); short protein forms D900E.
Identifiers: ClinVar variation 2850482 (VCV002850482.3), dbSNP rs2511472782, ClinGen allele CA402322024.
Genomic context (GRCh38, chr18:44,952,040, plus strand): 5'-CCAAGCGGAGAAGAGCTCAGAATCCCGAAGGAGGTACTCTTTTGATTTCTGCTCCCTGGA[C>A]AACCCGGAGGCCATTCCGTCCGACACCAGCACAAAGAACCGGCATGGCCACCGGCAAAAG-3'
Protein context (NP_056374.2, residues 890-910): RRYSFDFCSL[Asp900Glu]NPEAIPSDTS

ClinVar aggregate classification (germline): Uncertain significance (1 of 4 stars; one submission).

Submission:

Labcorp Genetics (formerly Invitae), Labcorp
Classification: Uncertain significance. Last evaluated: 2023-04-25. Review status: criteria provided, single submitter. Criteria: Invitae Variant Classification Sherloc (09022015). Collection method: clinical testing. Allele origin: germline.
Comment: This variant has not been reported in the literature in individuals affected with SETBP1-related conditions. This variant is not present in population databases (gnomAD no frequency). This sequence change replaces aspartic acid, which is acidic and polar, with glutamic acid, which is acidic and polar, at codon 900 of the SETBP1 protein (p.Asp900Glu). In summary, the available evidence is currently insufficient to determine the role of this variant in disease. Therefore, it has been classified as a Variant of Uncertain Significance. Advanced modeling of protein sequence and biophysical properties (such as structural, functional, and spatial information, amino acid conservation, physicochemical variation, residue mobility, and thermodynamic stability) performed at Invitae indicates that this missense variant is not expected to disrupt SETBP1 protein function.